The following is an entry in ClinVar:

NM_000384.3(APOB):c.4271G>A (p.Gly1424Glu)

Gene: APOB (apolipoprotein B; minus strand). Cytogenetic location: 2p24.1.
Variant type: single nucleotide variant.
Coding change: c.4271G>A on transcript NM_000384.3 (MANE Select); coding-DNA position 4271, G replaced by A.
Protein change: p.Gly1424Glu; replaces glycine 1424 with glutamic acid.
Molecular consequence: missense variant.
Genome position (GRCh38, 1-based): chr2:21,012,597, C>T on the plus strand (G>A on the coding strand, the complement: APOB is on the minus strand). VCF-style: chr2-21012597-C-T. GRCh37 (hg19) VCF-style: chr2-21235469-C-T.
Other names: short protein forms G1424E.
Identifiers: ClinVar variation 3933923 (VCV003933923.2).

ClinVar aggregate classification (germline): Uncertain significance. Review status: criteria provided, multiple submitters, no conflicts (2 of 4 stars). 2 submissions from 2 submitters: Uncertain significance (2). Last evaluated 2025-05-21.

Conditions:
Cardiovascular phenotype. Identifiers: MedGen CN230736.

gnomAD v4.1: 5 of 1,613,096 alleles (0.00031%); highest among the groups gnomAD compares: African/African-American, 0.0053%; no homozygotes.

Submissions (2):

Ambry Genetics
Classification: Uncertain significance for Cardiovascular phenotype. Last evaluated: 2025-05-21. Review status: criteria provided, single submitter. Criteria: Ambry Variant Classification Scheme 2023. Collection method: clinical testing. Allele origin: germline.

GeneDx
Classification: Uncertain significance. Last evaluated: 2025-02-24. Review status: criteria provided, single submitter. Criteria: GeneDx Variant Classification Process June 2021. Collection method: clinical testing. Allele origin: germline. Affected: yes.
Comment: Not observed at significant frequency in large population cohorts (gnomAD); In silico analysis supports that this missense variant has a deleterious effect on protein structure/function; Has not been previously published as pathogenic or benign to our knowledge; Also known as G1397E